The following is an entry in ClinVar:

NM_177965.4(CFAP418):c.*2166T>G

Gene: CFAP418 (cilia and flagella associated protein 418; minus strand). Cytogenetic location: 8q22.1.
Variant type: single nucleotide variant.
Coding change: c.*2166T>G on transcript NM_177965.4 (MANE Select); 2166 bases downstream of the stop codon, T replaced by G.
Molecular consequence: 3 prime UTR variant.
Genome position (GRCh38, 1-based): chr8:95,245,451, A>C on the plus strand (T>G on the coding strand, the complement: CFAP418 is on the minus strand). VCF-style: chr8-95245451-A-C. GRCh37 (hg19) VCF-style: chr8-96257679-A-C.
Other names: c.*2166T>G (NM_001363260.1).
Identifiers: ClinVar variation 912349 (VCV000912349.4), dbSNP rs149998549, ClinGen allele CA182087884.

ClinVar aggregate classification (germline): Conflicting classifications of pathogenicity. Review status: criteria provided, conflicting classifications (1 of 4 stars). 2 submissions from 1 submitter: Uncertain significance (1); Likely benign (1). Last evaluated 2018-01-12.

Conditions:
Retinitis pigmentosa (RP). Identifiers: Orphanet 791, MedGen C0035334, MeSH D012174, MONDO:0019200, OMIM 268000. Inheritance: Autosomal dominant, autosomal recessive and X linked inheritance.
Cone-rod dystrophy 16 (CORD16). Identifiers: MedGen C3281045, MONDO:0013786, OMIM 614500.

Allele frequency attached by ClinVar (database versions not stated): 1000 Genomes Project 0.00739; 1000 Genomes Project 30x 0.00765; TOPMed 0.01354; gnomAD 0.01474 and 0.01510.

Submissions (2):

Illumina Laboratory Services, Illumina
Classification: Likely benign for Cone-rod dystrophy 16. Last evaluated: 2018-01-12. Review status: criteria provided, single submitter. Criteria: ICSL Variant Classification Criteria 13 December 2019. Collection method: clinical testing. Allele origin: germline.
Comment: This variant was observed in the ICSL laboratory as part of a predisposition screen in an ostensibly healthy population. It had not been previously curated by ICSL or reported in the Human Gene Mutation Database (HGMD: prior to June 1st, 2018), and was therefore a candidate for classification through an automated scoring system. Utilizing variant allele frequency, disease prevalence and penetrance estimates, and inheritance mode, an automated score was calculated to assess if this variant is too frequent to cause the disease. Based on the score and internal cut-off values, a variant classified as likely benign is not then subjected to further curation. The score for this variant resulted in a classification of likely benign for this disease.

Illumina Laboratory Services, Illumina
Classification: Uncertain significance for Retinitis pigmentosa. Last evaluated: 2018-01-12. Review status: criteria provided, single submitter. Criteria: ICSL Variant Classification Criteria 13 December 2019. Collection method: clinical testing. Allele origin: germline.